The following is an entry in ClinVar:

ClinVar aggregate classification (germline): Uncertain significance (1 of 4 stars; one submission).

Conditions:
Hecht syndrome (DA7). Also called: Dutch-Kentucky syndrome; MOUTH, INABILITY TO OPEN COMPLETELY, AND SHORT FINGER-FLEXOR TENDONS. Identifiers: Orphanet 3377, MedGen C0265226, MONDO:0008016, OMIM 158300. Disease mechanism: gain of function.

Allele frequency attached by ClinVar (database versions not stated): gnomAD 0.00001; TOPMed 0.00001.

Submission:

Victorian Clinical Genetics Services, Murdoch Childrens Research Institute
Classification: Uncertain significance for Hecht syndrome. Last evaluated: 2020-10-19. Review status: criteria provided, single submitter. Criteria: ACMG Guidelines, 2015. Collection method: clinical testing. Allele origin: germline. Inheritance: Autosomal dominant inheritance.
Comment: Based on the classification scheme VCGS_Germline_v1.3.3, this variant is classified as 3C-VUS. Following criteria are met: 0105 - The mechanism of disease for this gene is not clearly established. (I) 0107 - This gene is associated with autosomal dominant disease. (I) 0212 - Non-canonical splice site variant without proven consequence on splicing (no functional evidence available). (SP) 0251 - This variant is heterozygous. (I) 0302 - Variant is present in gnomAD (v3) <0.001 for a dominant condition (1 heterozygote, 0 homozygotes). (SP) 0506 - Abnormal splicing is not predicted and nucleotide is poorly conserved. (SB) 0705 - No comparable splice variants have previous evidence for pathogenicity. (I) 0807 - This variant has no previous evidence of pathogenicity. (I) 0905 - No published segregation evidence has been identified for this variant. (I) 1007 - No published functional evidence has been identified for this variant. (I) 1208 - Inheritance information for this variant is not currently available in this individual. (I) Legend: (SP) - Supporting pathogenic, (I) - Information, (SB) - Supporting benign

NM_002472.3(MYH8):c.2172-4G>T

Genes: MYH8 (myosin heavy chain 8; minus strand), MYHAS (myosin heavy chain gene cluster antisense RNA; plus strand). Cytogenetic location: 17p13.1.
Variant type: single nucleotide variant.
Coding change: c.2172-4G>T on transcript NM_002472.3 (MANE Select); 4 bases into the intron before coding-DNA position 2172, G replaced by T.
Molecular consequence: intron variant.
Genome position (GRCh38, 1-based): chr17:10,406,401, C>A on the plus strand (G>T on the coding strand, the complement: MYH8 is on the minus strand). VCF-style: chr17-10406401-C-A. GRCh37 (hg19) VCF-style: chr17-10309718-C-A.
Identifiers: ClinVar variation 1806134 (VCV001806134.1), dbSNP rs1016250383, ClinGen allele CA287730497.
Genomic context (GRCh38, chr17:10,406,401, plus strand): 5'-TTCTTGCTGTCAATGAACTGTCCCTCTGGAATAGCACTTGCATTTAAAACCTTGTATCTG[C>A]TCAGTTAAAGAAAGAAAGAATGGTTAGGAAAATGTGACCACATGCCAACAAAATGACACC-3'